The following is an entry in ClinVar:

ClinVar aggregate classification (germline): Likely benign. Review status: criteria provided, multiple submitters, no conflicts (2 of 4 stars). 2 submissions from 2 submitters: Likely benign (2). Last evaluated 2025-10-20.

Conditions:
Hereditary diffuse gastric adenocarcinoma (HDGC). Also called: DIFFUSE GASTRIC AND LOBULAR BREAST CANCER SYNDROME. Identifiers: Orphanet 26106, MedGen C1708349, MONDO:0007648, OMIM 137215.

Allele frequency attached by ClinVar (database versions not stated): gnomAD exomes below 0.00001.
gnomAD v4.1: 2 of 1,607,042 alleles (0.00012%); highest among the groups gnomAD compares: Admixed American, 0.0017%; no homozygotes.

Submissions (2):

Labcorp Genetics (formerly Invitae), Labcorp
Classification: Likely benign. Last evaluated: 2025-10-20. Review status: criteria provided, single submitter. Criteria: Invitae Variant Classification Sherloc (09022015). Collection method: clinical testing. Allele origin: germline.

Myriad Genetics, Inc.
Classification: Likely benign for Hereditary diffuse gastric adenocarcinoma. Last evaluated: 2024-10-10. Review status: criteria provided, single submitter. Criteria: Myriad Autosomal Dominant, Autosomal Recessive and X-Linked Classification Criteria (2023). Collection method: clinical testing. Allele origin: unknown.
Comment: This variant is considered likely benign. This variant is intronic and is not expected to impact mRNA splicing.

NM_001903.5(CTNNA1):c.1063-6A>T

Gene: CTNNA1 (catenin alpha 1; plus strand). Cytogenetic location: 5q31.2.
Variant type: single nucleotide variant.
Coding change: c.1063-6A>T on transcript NM_001903.5 (MANE Select); 6 bases into the intron before coding-DNA position 1063, A replaced by T.
Molecular consequence: intron variant.
Genome position (GRCh38, 1-based): chr5:138,886,206, A>T. VCF-style: chr5-138886206-A-T. GRCh37 (hg19) VCF-style: chr5-138221895-A-T.
Other names: c.1063-6A>T (NM_001323982.2, NM_001323984.2, NM_001290307.3 and 3 more transcripts); c.694-6A>T (NM_001290310.3); c.754-6A>T (NM_001290309.3); c.-48-6A>T (NM_001323996.1, NM_001323993.1, NM_001324005.1 and 18 more transcripts); c.-445-6A>T (NM_001324007.1, NM_001324009.1, NM_001324006.1 and 1 more transcripts); c.-320-6A>T (NM_001324013.1); c.-58+10609A>T (NM_001324012.1); c.-61+10609A>T (NM_001324010.1).
Identifiers: ClinVar variation 1592559 (VCV001592559.9), dbSNP rs1439283481, ClinGen allele CA563298816.